The following is an entry in ClinVar:

ClinVar aggregate classification (germline): Pathogenic (1 of 4 stars; one submission).

Submission:

Quest Diagnostics Nichols Institute San Juan Capistrano
Classification: Pathogenic. Last evaluated: 2023-02-01. Review status: criteria provided, single submitter. Criteria: ACMG/ClinGen CNV Guidelines, 2019. Collection method: clinical testing. Allele origin: unknown.
Comment: The loss of 8p23.3p23.1 involves several protein-coding genes, including DLGAP2 (OMIM 605438), ARHGEF10 (OMIM 608136), and ANGPT2 (OMIM 601922). Smaller copy number losses, contained within the current interval, have been identified in individuals with variable phenotypes (Burnside 2013, Catusi 2021, Shi 2017, Wu 2010). Therefore, based on current medical literature and gene content, this copy number variant (CNV) is classified as pathogenic. _x000D__x000D_ References: Burnside et al., Am J Med Genet A. 2013 Apr;161A(4):822-8. PMID: 23495222 Catusi et al., Genes (Basel). 2021 Apr 27;12(5):652. PMID: 33925474 Shi et al., Mol Med Rep. 2017 Nov;16(5):6837-6845. PMID: 28901431 Wu et al., BMC Med Genet. 2010 May 11;11:72. PMID: 20459802

GRCh37/hg19 8p23.3-23.1(chr8:158049-10007143)x1

Genes: AGPAT5 (1-acylglycerol-3-phosphate O-acyltransferase 5; plus strand), ANGPT2 (angiopoietin 2; minus strand), ARHGEF10 (Rho guanine nucleotide exchange factor 10; plus strand), CLDN23 (claudin 23), CLN8 (CLN8 transmembrane ER and ERGIC protein; plus strand) and 43 more. Cytogenetic location: 8p23.3-23.1.
Variant type: copy number loss.
Change: copy number 1 (one copy instead of two) of chr8:158,049-10,007,143 (9.85 Mb, GRCh37 coordinates, 1-based), cytogenetic band 8p23.3-23.1.
Identifiers: ClinVar variation 2685281 (VCV002685281.1).